The following is an entry in ClinVar:

ClinVar aggregate classification (germline): Uncertain significance (1 of 4 stars; one submission).

Submission:

Labcorp Genetics (formerly Invitae), Labcorp
Classification: Uncertain significance. Last evaluated: 2021-04-11. Review status: criteria provided, single submitter. Criteria: Invitae Variant Classification Sherloc (09022015). Collection method: clinical testing. Allele origin: germline.
Comment: In summary, the available evidence is currently insufficient to determine the role of this variant in disease. Therefore, it has been classified as a Variant of Uncertain Significance. Experimental studies and prediction algorithms are not available or were not evaluated, and the functional significance of this variant is currently unknown. This variant has not been reported in the literature in individuals with SLC30A10-related conditions. This variant is not present in population databases (ExAC no frequency). This sequence change creates a premature translational stop signal (p.Tyr440*) in the SLC30A10 gene. While this is not anticipated to result in nonsense mediated decay, it is expected to disrupt the last 46 amino acid(s) of the SLC30A10 protein.

NM_018713.3(SLC30A10):c.1320C>G (p.Tyr440Ter)

Gene: SLC30A10 (solute carrier family 30 member 10; minus strand). Cytogenetic location: 1q41.
Variant type: single nucleotide variant.
Coding change: c.1320C>G on transcript NM_018713.3 (MANE Select); coding-DNA position 1320, C replaced by G.
Protein change: p.Tyr440Ter; replaces tyrosine 440 with a stop codon.
Molecular consequence: nonsense. On other transcripts: non-coding transcript variant (2).
Genome position (GRCh38, 1-based): chr1:219,915,587, G>C on the plus strand (C>G on the coding strand, the complement: SLC30A10 is on the minus strand). VCF-style: chr1-219915587-G-C. GRCh37 (hg19) VCF-style: chr1-220088929-G-C.
Other names: c.1131C>G, p.Tyr377Ter (NM_001376929.1); short protein forms Y377*, Y440*.
Identifiers: ClinVar variation 1359345 (VCV001359345.6), dbSNP rs769974391, ClinGen allele CA344731518.